The following is an entry in ClinVar:

NM_004456.5(EZH2):c.920C>T (p.Thr307Ile)

Gene: EZH2 (enhancer of zeste 2 polycomb repressive complex 2 subunit; minus strand). Cytogenetic location: 7q36.1.
Variant type: single nucleotide variant.
Coding change: c.920C>T on transcript NM_004456.5 (MANE Select); coding-DNA position 920, C replaced by T.
Protein change: p.Thr307Ile; replaces threonine 307 with isoleucine.
Molecular consequence: missense variant.
Genome position (GRCh38, 1-based): chr7:148,819,675, G>A on the plus strand (C>T on the coding strand, the complement: EZH2 is on the minus strand). VCF-style: chr7-148819675-G-A. GRCh37 (hg19) VCF-style: chr7-148516767-G-A.
Other names: c.905C>T, p.Thr302Ile (NM_001203247.2); c.878C>T, p.Thr293Ile (NM_001203248.2, NM_001203249.2); c.788C>T, p.Thr263Ile (NM_152998.3); short protein forms T263I, T293I, T302I, T307I.
Identifiers: ClinVar variation 1699752 (VCV001699752.3), dbSNP rs2129472401, ClinGen allele CA369718413.

ClinVar aggregate classification (germline): Uncertain significance (1 of 4 stars; one submission).

Submission:

GeneDx
Classification: Uncertain significance. Last evaluated: 2026-01-06. Review status: criteria provided, single submitter. Criteria: GeneDx Variant Classification Process June 2021. Collection method: clinical testing. Allele origin: germline.
Comment: Not observed at significant frequency in large population cohorts (gnomAD); In silico analysis supports that this missense variant has a deleterious effect on protein structure/function; Has not been previously published as pathogenic or benign to our knowledge